The following is an entry in ClinVar:

NM_020964.3(EPG5):c.1521del (p.Val509fs)

Gene: EPG5 (ectopic P-granules 5 autophagy tethering factor; minus strand). Cytogenetic location: 18q21.1.
Variant type: Deletion.
Coding change: c.1521del on transcript NM_020964.3 (MANE Select); coding-DNA position 1521, one base deleted (A; older notation c.1521delA).
Protein change: p.Val509fs; shifts the reading frame from valine 509.
Molecular consequence: frameshift variant.
Genome position (GRCh38, 1-based): chr18:45,948,553, T deleted on the plus strand (A on the coding strand, the reverse complement: EPG5 is on the minus strand). VCF-style (leftmost placement, unchanged base first): chr18-45948552-CT-C. GRCh37 (hg19) VCF-style: chr18-43528518-CT-C.
Other names: c.1521del, p.Val509fs (NM_001410858.1, NM_001410859.1); short protein forms V509fs.
Identifiers: ClinVar variation 2843552 (VCV002843552.3), dbSNP rs2512064510, ClinGen allele CA2641632559.

ClinVar aggregate classification (germline): Pathogenic (1 of 4 stars; one submission).

Conditions:
Vici syndrome (VICIS). Identifiers: Orphanet 1493, MedGen C1855772, MONDO:0009452, OMIM 242840.

Allele frequency attached by ClinVar (database versions not stated): gnomAD exomes below 0.00001.

Submission:

Labcorp Genetics (formerly Invitae), Labcorp
Classification: Pathogenic for Vici syndrome. Last evaluated: 2024-02-23. Review status: criteria provided, single submitter. Criteria: Invitae Variant Classification Sherloc (09022015). Collection method: clinical testing. Allele origin: germline.
Comment: This sequence change creates a premature translational stop signal (p.Val509Serfs*11) in the EPG5 gene. It is expected to result in an absent or disrupted protein product. Loss-of-function variants in EPG5 are known to be pathogenic (PMID: 23222957, 23674064). This variant is not present in population databases (gnomAD no frequency). This variant has not been reported in the literature in individuals affected with EPG5-related conditions. For these reasons, this variant has been classified as Pathogenic.

Literature cited by the submitters: PubMed 23222957; PubMed 23674064.